The following is an entry in ClinVar:

NM_001330311.2(DVL1):c.1343C>T (p.Ala448Val)

Gene: DVL1 (dishevelled segment polarity protein 1; minus strand). Cytogenetic location: 1p36.33.
Variant type: single nucleotide variant.
Coding change: c.1343C>T on transcript NM_001330311.2 (MANE Select); coding-DNA position 1343, C replaced by T.
Protein change: p.Ala448Val; replaces alanine 448 with valine.
Molecular consequence: missense variant.
Genome position (GRCh38, 1-based): chr1:1,338,433, G>A on the plus strand (C>T on the coding strand, the complement: DVL1 is on the minus strand). VCF-style: chr1-1338433-G-A. GRCh37 (hg19) VCF-style: chr1-1273813-G-A.
Other names: c.1268C>T, p.Ala423Val (NM_004421.3); short protein forms A448V, A423V.
Identifiers: ClinVar variation 1480268 (VCV001480268.8), dbSNP rs773789094, ClinGen allele CA520111.

ClinVar aggregate classification (germline): Uncertain significance (1 of 4 stars; one submission).

Allele frequency attached by ClinVar (database versions not stated): gnomAD exomes below 0.00001 and 0.00001; TOPMed below 0.00001; gnomAD 0.00001; ExAC 0.00002.
gnomAD v4.1: 8 of 1,609,596 alleles (0.0005%); highest among the groups gnomAD compares: African/African-American, 0.0027%; no homozygotes.

Submission:

Labcorp Genetics (formerly Invitae), Labcorp
Classification: Uncertain significance. Last evaluated: 2022-07-06. Review status: criteria provided, single submitter. Criteria: Invitae Variant Classification Sherloc (09022015). Collection method: clinical testing. Allele origin: germline.
Comment: In summary, the available evidence is currently insufficient to determine the role of this variant in disease. Therefore, it has been classified as a Variant of Uncertain Significance. Algorithms developed to predict the effect of missense changes on protein structure and function are either unavailable or do not agree on the potential impact of this missense change (SIFT: "Deleterious"; PolyPhen-2: "Benign"; Align-GVGD: "Class C0"). ClinVar contains an entry for this variant (Variation ID: 1480268). This variant has not been reported in the literature in individuals affected with DVL1-related conditions. This variant is present in population databases (rs773789094, gnomAD 0.007%). This sequence change replaces alanine, which is neutral and non-polar, with valine, which is neutral and non-polar, at codon 423 of the DVL1 protein (p.Ala423Val).